The following is an entry in ClinVar:

ClinVar aggregate classification (germline): Conflicting classifications of pathogenicity. Review status: criteria provided, conflicting classifications (1 of 4 stars). 11 submissions from 11 submitters: Uncertain significance (1); Benign (2); Likely benign (8). Last evaluated 2026-07-01.

Conditions:
Hereditary spastic paraplegia. Also called: Familial spastic paraparesis. Identifiers: Orphanet 685, MedGen C0037773, MONDO:0019064. Disease mechanism: loss of function.
Progressive sclerosing poliodystrophy (MTDPS4A). Also called: Alpers Syndrome; Mitochondrial DNA depletion syndrome 4A (Alpers type); ALPERS DIFFUSE DEGENERATION OF CEREBRAL GRAY MATTER WITH HEPATIC CIRRHOSIS; Alpers-Huttenlocher Syndrome; ALPERS PROGRESSIVE INFANTILE POLIODYSTROPHY; NEURONAL DEGENERATION OF CHILDHOOD WITH LIVER DISEASE, PROGRESSIVE. Identifiers: Orphanet 726, MedGen C0205710, MONDO:0008758, OMIM 203700.
Inborn genetic diseases. Identifiers: MedGen C0950123, MeSH D030342.

Submissions (11):

CeGaT Center for Human Genetics Tuebingen
Classification: Likely benign. Last evaluated: 2026-07-01. Review status: criteria provided, single submitter. Criteria: CeGaT Center For Human Genetics Tuebingen Variant Classification Criteria Version 2. Collection method: clinical testing. Allele origin: germline. Affected: yes. Observed: 22 variant alleles.
Comment: POLG: BS1

Labcorp Genetics (formerly Invitae), Labcorp
Classification: Likely benign for Progressive sclerosing poliodystrophy. Last evaluated: 2026-02-03. Review status: criteria provided, single submitter. Criteria: Invitae Variant Classification Sherloc (09022015). Collection method: clinical testing. Allele origin: germline.

Mayo Clinic Laboratories, Mayo Clinic
Classification: Likely benign. Last evaluated: 2025-12-13. Review status: criteria provided, single submitter. Criteria: ACMG Guidelines, 2015. Collection method: clinical testing. Allele origin: germline. Observed: 10 variant alleles.
Comment: BS1, BP3

Athena Diagnostics
Classification: Likely benign. Last evaluated: 2025-06-12. Review status: criteria provided, single submitter. Criteria: Athena Diagnostics Criteria. Collection method: clinical testing. Allele origin: unknown.

Laboratory of Genetics, Children's Clinical University Hospital Latvia
Classification: Benign. Last evaluated: 2025-02-16. Review status: criteria provided, single submitter. Criteria: ACMG Guidelines, 2015. Collection method: clinical testing. Allele origin: germline. Affected: yes.

Blueprint Genetics
Classification: Likely benign. Last evaluated: 2024-11-25. Review status: criteria provided, single submitter. Criteria: ACMG Guidelines, 2015. Collection method: clinical testing. Allele origin: germline.

Greenwood Genetic Center Diagnostic Laboratories, Greenwood Genetic Center
Classification: Uncertain significance. Last evaluated: 2023-12-07. Review status: criteria provided, single submitter. Criteria: ACMG Guidelines, 2015. Collection method: clinical testing. Allele origin: germline. Affected: yes.
Comment: BP3

Ambry Genetics
Classification: Likely benign for Inborn genetic diseases. Last evaluated: 2022-03-07. Review status: criteria provided, single submitter. Criteria: Ambry Variant Classification Scheme 2023. Collection method: clinical testing. Allele origin: germline.

Genome Diagnostics Laboratory, The Hospital for Sick Children
Classification: Likely benign for Hereditary spastic paraplegia. Last evaluated: 2016-12-15. Review status: criteria provided, single submitter. Criteria: ACMG Guidelines, 2015. Collection method: clinical testing. Allele origin: germline. Affected: yes.

Eurofins Ntd Llc (ga)
Classification: Likely benign. Last evaluated: 2016-04-27. Review status: criteria provided, single submitter. Criteria: EGL Classification Definitions 2015. Collection method: clinical testing. Allele origin: germline. Observed: 1 variant allele, 1 heterozygote.

GeneDx
Classification: Benign. Last evaluated: 2014-12-29. Review status: criteria provided, single submitter. Criteria: GeneDx Variant Classification (06012015). Collection method: clinical testing. Allele origin: germline. Affected: yes.
Comment: The variant is found in MITONUC-MITOP,CHILD-EPI,INFANT-EPI panel(s).

Literature cited by the submitters: PubMed 10827171 (cited by Athena Diagnostics); PubMed 11687794 (cited by Athena Diagnostics); PubMed 15650046 (cited by Athena Diagnostics); PubMed 15851408 (cited by Athena Diagnostics); PubMed 16392637 (cited by Athena Diagnostics); PubMed 16553026 (cited by Athena Diagnostics); PubMed 20399836 (cited by Athena Diagnostics); PubMed 23251356 (cited by Athena Diagnostics); PubMed 26317126 (cited by Athena Diagnostics); PubMed 17846414 (cited by Athena Diagnostics); PubMed 20826197 (cited by Athena Diagnostics); PubMed 22963882 (cited by Athena Diagnostics).

NM_002693.3(POLG):c.126GCA[7] (p.Gln52_Gln55del)

Genes: POLG (DNA polymerase gamma, catalytic subunit; minus strand), POLGARF (POLG alternative reading frame; minus strand). Cytogenetic location: 15q26.1.
Variant type: Microsatellite.
Coding change: c.126GCA[7] on transcript NM_002693.3 (MANE Select); seven copies in a row of the 3-base unit GCA starting at c.126; the reference has 11 copies in a row; four copies, 12 bases deleted; also written c.147_158del.
Protein change: p.Gln52_Gln55del.
Molecular consequence: inframe deletion.
Genome position (GRCh38, 1-based): chr15:89,333,597-89,333,608, TGCTGCTGCTGC deleted on the plus strand (GCAGCAGCAGCA on the coding strand, the reverse complement: POLG is on the minus strand); deleting any 12 consecutive bases within chr15:89,333,597-89,333,629 gives the same sequence; the position shown is the placement nearest the transcript's 3' end. VCF-style (leftmost placement, unchanged base first): chr15-89333596-TTGCTGCTGCTGC-T. GRCh37 (hg19) VCF-style: chr15-89876827-TTGCTGCTGCTGC-T.
Other names: p.Gln52_Gln55del; c.126GCA[7], p.Gln52_Gln55del (NM_001126131.2); c.147_158del (NM_002693.2); c.147_158delGCAGCAGCAGCA (NM_002693.2).
Identifiers: ClinVar variation 206480 (VCV000206480.64), dbSNP rs41550117, ClinGen allele CA316614.